The following is an entry in ClinVar:

ClinVar aggregate classification (germline): Uncertain significance (1 of 4 stars; one submission).

Conditions:
COG7 congenital disorder of glycosylation (CDG2E). Also called: CONGENITAL DISORDER OF GLYCOSYLATION, TYPE IIe; CDG IIe. Identifiers: Orphanet 79333, MedGen C2931010, MONDO:0012118, OMIM 608779.

Allele frequency attached by ClinVar (database versions not stated): gnomAD exomes 0.00001.
gnomAD v4.1: 7 of 1,613,954 alleles (0.00043%); highest among the groups gnomAD compares: East Asian, 0.0089%; no homozygotes.

Submission:

Labcorp Genetics (formerly Invitae), Labcorp
Classification: Uncertain significance for COG7 congenital disorder of glycosylation. Last evaluated: 2022-01-04. Review status: criteria provided, single submitter. Criteria: Invitae Variant Classification Sherloc (09022015). Collection method: clinical testing. Allele origin: germline.
Comment: In summary, the available evidence is currently insufficient to determine the role of this variant in disease. Therefore, it has been classified as a Variant of Uncertain Significance. Algorithms developed to predict the effect of missense changes on protein structure and function are either unavailable or do not agree on the potential impact of this missense change (SIFT: "Deleterious"; PolyPhen-2: "Probably Damaging"; Align-GVGD: "Class C15"). This variant has not been reported in the literature in individuals affected with COG7-related conditions. This variant is present in population databases (no rsID available, gnomAD 0.007%). This sequence change replaces valine, which is neutral and non-polar, with methionine, which is neutral and non-polar, at codon 721 of the COG7 protein (p.Val721Met).

NM_153603.4(COG7):c.2161G>A (p.Val721Met)

Gene: COG7 (component of oligomeric golgi complex 7; minus strand). Cytogenetic location: 16p12.2.
Variant type: single nucleotide variant.
Coding change: c.2161G>A on transcript NM_153603.4 (MANE Select); coding-DNA position 2161, G replaced by A.
Protein change: p.Val721Met; replaces valine 721 with methionine.
Molecular consequence: missense variant.
Genome position (GRCh38, 1-based): chr16:23,389,072, C>T on the plus strand (G>A on the coding strand, the complement: COG7 is on the minus strand). VCF-style: chr16-23389072-C-T. GRCh37 (hg19) VCF-style: chr16-23400393-C-T.
Other names: short protein forms V721M.
Identifiers: ClinVar variation 2074292 (VCV002074292.4), dbSNP rs1208806833, ClinGen allele CA395116010.